The following is an entry in ClinVar:

ClinVar aggregate classification (germline): Likely pathogenic (1 of 4 stars; one submission).

Conditions:
Intellectual developmental disorder, autosomal dominant 6, with or without seizures. Also called: GRIN2B-related developmental delay, intellectual disability and autism spectrum disorder; Intellectual disability, autosomal dominant 6. Identifiers: Orphanet 589547, MedGen C3151411, MONDO:0013509, OMIM 613970.

Submission:

Institute of Human Genetics, University of Leipzig Medical Center
Classification: Likely pathogenic for Intellectual developmental disorder, autosomal dominant 6, with or without seizures. Last evaluated: 2017-04-04. Review status: criteria provided, single submitter. Criteria: ACMG Guidelines, 2015. Collection method: clinical testing. Allele origin: de novo. Affected: yes.
Comment: This variant was identified as de novo (maternity and paternity confirmed).

Literature cited by the submitters: PubMed 28377535.

NM_000834.5(GRIN2B):c.1821G>T (p.Trp607Cys)

Gene: GRIN2B (glutamate ionotropic receptor NMDA type subunit 2B; minus strand). Cytogenetic location: 12p13.1.
Variant type: single nucleotide variant.
Coding change: c.1821G>T on transcript NM_000834.5 (MANE Select); coding-DNA position 1821, G replaced by T.
Protein change: p.Trp607Cys; replaces tryptophan 607 with cysteine.
Molecular consequence: missense variant.
Genome position (GRCh38, 1-based): chr12:13,608,792, C>A on the plus strand (G>T on the coding strand, the complement: GRIN2B is on the minus strand). VCF-style: chr12-13608792-C-A. GRCh37 (hg19) VCF-style: chr12-13761726-C-A.
Other names: short protein forms W607C.
Identifiers: ClinVar variation 916606 (VCV000916606.1), dbSNP rs1057518700, ClinGen allele CA384051272.